The following is an entry in ClinVar:

NM_002582.4(PARN):c.1552G>C (p.Glu518Gln)

Gene: PARN (poly(A)-specific ribonuclease; minus strand). Cytogenetic location: 16p13.12.
Variant type: single nucleotide variant.
Coding change: c.1552G>C on transcript NM_002582.4 (MANE Select); coding-DNA position 1552, G replaced by C.
Protein change: p.Glu518Gln; replaces glutamic acid 518 with glutamine.
Molecular consequence: missense variant.
Genome position (GRCh38, 1-based): chr16:14,482,756, C>G on the plus strand (G>C on the coding strand, the complement: PARN is on the minus strand). VCF-style: chr16-14482756-C-G. GRCh37 (hg19) VCF-style: chr16-14576613-C-G.
Other names: c.1369G>C, p.Glu457Gln (NM_001134477.3); c.1414G>C, p.Glu472Gln (NM_001242992.2); short protein forms E518Q, E457Q, E472Q.
Identifiers: ClinVar variation 4788353 (VCV004788353.1).

ClinVar aggregate classification (germline): Uncertain significance (1 of 4 stars; one submission).

Conditions:
Pulmonary fibrosis and/or bone marrow failure, Telomere-related, 4. Also called: PULMONARY FIBROSIS AND/OR BONE MARROW FAILURE SYNDROME, TELOMERE-RELATED, 4. Identifiers: Orphanet 2032, MedGen C4225347, MONDO:0014612, OMIM 616371.
Dyskeratosis congenita, autosomal recessive 6 (DKCB6). Identifiers: MedGen C4225356, MONDO:0014600, OMIM 616353.

gnomAD v4.1: 6 of 1,613,802 alleles (0.00037%); highest among the groups gnomAD compares: Non-Finnish European, 0.00051%; no homozygotes.

Submission:

Labcorp Genetics (formerly Invitae), Labcorp
Classification: Uncertain significance for Dyskeratosis congenita, autosomal recessive 6; Pulmonary fibrosis and/or bone marrow failure, Telomere-related, 4. Last evaluated: 2025-08-23. Review status: criteria provided, single submitter. Criteria: Invitae Variant Classification Sherloc (09022015). Collection method: clinical testing. Allele origin: germline.
Comment: This sequence change replaces glutamic acid, which is acidic and polar, with glutamine, which is neutral and polar, at codon 518 of the PARN protein (p.Glu518Gln). This variant is present in population databases (no rsID available, gnomAD 0.0009%). This variant has not been reported in the literature in individuals affected with PARN-related conditions. An algorithm developed to predict the effect of missense changes on protein structure and function (PolyPhen-2) suggests that this variant is likely to be tolerated. In summary, the available evidence is currently insufficient to determine the role of this variant in disease. Therefore, it has been classified as a Variant of Uncertain Significance.